The following is an entry in ClinVar:

ClinVar aggregate classification (germline): Uncertain significance (1 of 4 stars; one submission).

Conditions:
Familial thoracic aortic aneurysm and aortic dissection (TAAD). Also called: Thoracic aortic aneurysms and dissections. Identifiers: Orphanet 91387, MedGen C4707243, MONDO:0019625.

Allele frequency attached by ClinVar (database versions not stated): TOPMed below 0.00001; gnomAD exomes 0.00001.
gnomAD v4.1: 3 of 1,608,738 alleles (0.00019%); highest among the groups gnomAD compares: African/African-American, 0.0027%; no homozygotes.

Submission:

Ambry Genetics
Classification: Uncertain significance for Familial thoracic aortic aneurysm and aortic dissection. Last evaluated: 2022-10-07. Review status: criteria provided, single submitter. Criteria: Ambry Variant Classification Scheme 2023. Collection method: clinical testing. Allele origin: germline.
Comment: The p.E106Q variant (also known as c.316G>C), located in coding exon 1 of the SKI gene, results from a G to C substitution at nucleotide position 316. The glutamic acid at codon 106 is replaced by glutamine, an amino acid with highly similar properties. This amino acid position is conserved. In addition, the in silico prediction for this alteration is inconclusive. Since supporting evidence is limited at this time, the clinical significance of this alteration remains unclear.

NM_003036.4(SKI):c.316G>C (p.Glu106Gln)

Gene: SKI (SKI proto-oncogene; plus strand). Cytogenetic location: 1p36.33.
Variant type: single nucleotide variant.
Coding change: c.316G>C on transcript NM_003036.4 (MANE Select); coding-DNA position 316, G replaced by C.
Protein change: p.Glu106Gln; replaces glutamic acid 106 with glutamine.
Molecular consequence: missense variant.
Genome position (GRCh38, 1-based): chr1:2,229,082, G>C. VCF-style: chr1-2229082-G-C. GRCh37 (hg19) VCF-style: chr1-2160521-G-C.
Other names: short protein forms E106Q.
Identifiers: ClinVar variation 1728419 (VCV001728419.2), dbSNP rs1638571163, ClinGen allele CA337952536.